The following is an entry in ClinVar:

ClinVar aggregate classification (germline): Uncertain significance (1 of 4 stars; one submission).

gnomAD v4.1: 2 of 1,551,256 alleles (0.00013%); highest among the groups gnomAD compares: African/African-American, 0.0014%; no homozygotes.

Submission:

Labcorp Genetics (formerly Invitae), Labcorp
Classification: Uncertain significance. Last evaluated: 2025-08-21. Review status: criteria provided, single submitter. Criteria: Invitae Variant Classification Sherloc (09022015). Collection method: clinical testing. Allele origin: germline.
Comment: This sequence change replaces glutamine, which is neutral and polar, with glutamic acid, which is acidic and polar, at codon 1751 of the EYS protein (p.Gln1751Glu). This variant is not present in population databases (gnomAD no frequency). This variant has not been reported in the literature in individuals affected with EYS-related conditions. ClinVar contains an entry for this variant (Variation ID: 968144). Invitae Evidence Modeling of protein sequence and biophysical properties (such as structural, functional, and spatial information, amino acid conservation, physicochemical variation, residue mobility, and thermodynamic stability) indicates that this missense variant is not expected to disrupt EYS protein function with a negative predictive value of 80%. In summary, the available evidence is currently insufficient to determine the role of this variant in disease. Therefore, it has been classified as a Variant of Uncertain Significance.

NM_001142800.2(EYS):c.5251C>G (p.Gln1751Glu)

Gene: EYS (EGF-like photoreceptor maintenance factor; minus strand). Cytogenetic location: 6q12.
Variant type: single nucleotide variant.
Coding change: c.5251C>G on transcript NM_001142800.2 (MANE Select); coding-DNA position 5251, C replaced by G.
Protein change: p.Gln1751Glu; replaces glutamine 1751 with glutamic acid.
Molecular consequence: missense variant.
Genome position (GRCh38, 1-based): chr6:64,590,616, G>C on the plus strand (C>G on the coding strand, the complement: EYS is on the minus strand). VCF-style: chr6-64590616-G-C. GRCh37 (hg19) VCF-style: chr6-65300509-G-C.
Other names: c.5251C>G, p.Gln1751Glu (NM_001292009.2); short protein forms Q1751E.
Identifiers: ClinVar variation 968144 (VCV000968144.9), dbSNP rs1766374212, ClinGen allele CA364781506.